The following is an entry in ClinVar:

ClinVar aggregate classification (germline): Uncertain significance. Review status: criteria provided, multiple submitters, no conflicts (2 of 4 stars). 2 submissions from 2 submitters: Uncertain significance (2). Last evaluated 2025-05-12.

Conditions:
SEMA3G-related disorder. Also called: SEMA3G-related condition.

gnomAD v4.1: 51 of 1,613,988 alleles (0.0032%); highest among the groups gnomAD compares: Non-Finnish European, 0.0042%; no homozygotes.

Submissions (2):

PreventionGenetics, part of Exact Sciences
Classification: Uncertain significance for SEMA3G-related condition. Last evaluated: 2025-05-12. Review status: criteria provided, single submitter. Criteria: ACMG Guidelines, 2015. Collection method: clinical testing. Allele origin: germline.
Comment: The SEMA3G c.2234G>A variant is predicted to result in the amino acid substitution p.Ser745Asn. To our knowledge, this variant has not been reported in the literature. This variant is reported in 0.0029% of alleles in individuals of Latino descent in gnomAD. At this time, the clinical significance of this variant is uncertain due to the absence of conclusive functional and genetic evidence.

Ambry Genetics
Classification: Uncertain significance. Last evaluated: 2025-03-01. Review status: criteria provided, single submitter. Criteria: Ambry Variant Classification Scheme 2023. Collection method: clinical testing. Allele origin: germline.

NM_020163.3(SEMA3G):c.2234G>A (p.Ser745Asn)

Gene: SEMA3G (semaphorin 3G; minus strand). Cytogenetic location: 3p21.1.
Variant type: single nucleotide variant.
Coding change: c.2234G>A on transcript NM_020163.3 (MANE Select); coding-DNA position 2234, G replaced by A.
Protein change: p.Ser745Asn; replaces serine 745 with asparagine.
Molecular consequence: missense variant.
Genome position (GRCh38, 1-based): chr3:52,435,718, C>T on the plus strand (G>A on the coding strand, the complement: SEMA3G is on the minus strand). VCF-style: chr3-52435718-C-T. GRCh37 (hg19) VCF-style: chr3-52469734-C-T.
Other names: c.2234G>A (NM_020163.2); short protein forms S745N.
Identifiers: ClinVar variation 3794064 (VCV003794064.2).